The following is an entry in ClinVar:

NM_025114.4(CEP290):c.2138A>G (p.Glu713Gly)

Gene: CEP290 (centrosomal protein 290; minus strand). Cytogenetic location: 12q21.32.
Variant type: single nucleotide variant.
Coding change: c.2138A>G on transcript NM_025114.4 (MANE Select); coding-DNA position 2138, A replaced by G.
Protein change: p.Glu713Gly; replaces glutamic acid 713 with glycine.
Molecular consequence: missense variant.
Genome position (GRCh38, 1-based): chr12:88,111,773, T>C on the plus strand (A>G on the coding strand, the complement: CEP290 is on the minus strand). VCF-style: chr12-88111773-T-C. GRCh37 (hg19) VCF-style: chr12-88505550-T-C.
Other names: short protein forms E713G.
Identifiers: ClinVar variation 1305802 (VCV001305802.2), dbSNP rs2137723121, ClinGen allele CA385975111.

ClinVar aggregate classification (germline): Uncertain significance (1 of 4 stars; one submission).

Submission:

GeneDx
Classification: Uncertain significance. Last evaluated: 2020-06-16. Review status: criteria provided, single submitter. Criteria: GeneDx Variant Classification Process June 2021. Collection method: clinical testing. Allele origin: germline. Affected: yes.
Comment: Not observed in large population cohorts (Lek et al., 2016); In silico analysis supports that this missense variant does not alter protein structure/function; Has not been previously published as pathogenic or benign to our knowledge